The following is an entry in ClinVar:

NM_144672.4(OTOA):c.1429G>C (p.Ala477Pro)

Gene: OTOA (otoancorin). Cytogenetic location: 16p12.2.
Variant type: single nucleotide variant.
Coding change: c.1429G>C on transcript NM_144672.4 (MANE Select); coding-DNA position 1429, G replaced by C.
Protein change: p.Ala477Pro; replaces alanine 477 with proline.
Molecular consequence: missense variant.
Genome position (GRCh38, 1-based): chr16:21,715,093, G>C. VCF-style: chr16-21715093-G-C. GRCh37 (hg19) VCF-style: chr16-21726414-G-C.
Other names: p.Ala477Pro; c.1192G>C, p.Ala398Pro (NM_001161683.2); c.457G>C, p.Ala153Pro (NM_170664.3); short protein forms A153P, A398P, A477P.
Identifiers: ClinVar variation 2683349 (VCV002683349.4), dbSNP rs55890908, ClinGen allele CA7952627.

ClinVar aggregate classification (germline): Uncertain significance. Review status: criteria provided, multiple submitters, no conflicts (2 of 4 stars). 3 submissions from 3 submitters: Uncertain significance (3). Last evaluated 2026-04-06.

Conditions:
Inborn genetic diseases. Identifiers: MedGen C0950123, MeSH D030342.

Allele frequency attached by ClinVar (database versions not stated): TOPMed 0.00012; gnomAD 0.00017; ExAC 0.00007; gnomAD exomes 0.00009; ESP Exome Variant Server 0.00023.
gnomAD v4.1: 157 of 1,614,118 alleles (0.0097%); highest among the groups gnomAD compares: Non-Finnish European, 0.012%; no homozygotes.

Submissions (3):

GeneDx
Classification: Uncertain significance. Last evaluated: 2026-04-06. Review status: criteria provided, single submitter. Criteria: GeneDx Variant Classification Process June 2021. Collection method: clinical testing. Allele origin: germline.
Comment: In silico analysis suggests that this missense variant does not alter protein structure/function; Has not been previously published as pathogenic or benign to our knowledge

Ambry Genetics
Classification: Uncertain significance for Inborn genetic diseases. Last evaluated: 2025-02-08. Review status: criteria provided, single submitter. Criteria: Ambry Variant Classification Scheme 2023. Collection method: clinical testing. Allele origin: germline.

Mayo Clinic Laboratories, Mayo Clinic
Classification: Uncertain significance. Last evaluated: 2022-09-13. Review status: criteria provided, single submitter. Criteria: ACMG Guidelines, 2015. Collection method: clinical testing. Allele origin: germline. Observed: 1 variant allele.
Comment: PM2_supporting